The following is an entry in ClinVar:

ClinVar aggregate classification (germline): Uncertain significance (1 of 4 stars; one submission).

Allele frequency attached by ClinVar (database versions not stated): gnomAD exomes below 0.00001; gnomAD 0.00001.
gnomAD v4.1: 4 of 1,614,002 alleles (0.00025%); highest among the groups gnomAD compares: Admixed American, 0.0017%; no homozygotes.

Submission:

Labcorp Genetics (formerly Invitae), Labcorp
Classification: Uncertain significance. Last evaluated: 2022-08-16. Review status: criteria provided, single submitter. Criteria: Invitae Variant Classification Sherloc (09022015). Collection method: clinical testing. Allele origin: germline.
Comment: In summary, the available evidence is currently insufficient to determine the role of this variant in disease. Therefore, it has been classified as a Variant of Uncertain Significance. Algorithms developed to predict the effect of missense changes on protein structure and function (SIFT, PolyPhen-2, Align-GVGD) all suggest that this variant is likely to be tolerated. ClinVar contains an entry for this variant (Variation ID: 1347263). This variant has not been reported in the literature in individuals affected with ATP8A2-related conditions. This variant is not present in population databases (gnomAD no frequency). This sequence change replaces isoleucine, which is neutral and non-polar, with valine, which is neutral and non-polar, at codon 652 of the ATP8A2 protein (p.Ile652Val).

NM_016529.6(ATP8A2):c.1954A>G (p.Ile652Val)

Gene: ATP8A2 (ATPase phospholipid transporting 8A2). Cytogenetic location: 13q12.13.
Variant type: single nucleotide variant.
Coding change: c.1954A>G on transcript NM_016529.6 (MANE Select); coding-DNA position 1954, A replaced by G.
Protein change: p.Ile652Val; replaces isoleucine 652 with valine.
Molecular consequence: missense variant.
Genome position (GRCh38, 1-based): chr13:25,579,894, A>G. VCF-style: chr13-25579894-A-G. GRCh37 (hg19) VCF-style: chr13-26154032-A-G.
Other names: c.1834A>G, p.Ile612Val (NM_001313741.1); short protein forms I612V, I652V.
Identifiers: ClinVar variation 1347263 (VCV001347263.8), dbSNP rs1022753992, ClinGen allele CA387615291.